The following is an entry in ClinVar:

NM_000465.4(BARD1):c.1235_1241del (p.Pro411_Ser412insTer)

Gene: BARD1 (BRCA1 associated RING domain 1; minus strand). Cytogenetic location: 2q35.
Variant type: Deletion.
Coding change: c.1235_1241del on transcript NM_000465.4 (MANE Select); coding-DNA positions 1235 to 1241, 7 bases deleted (CAGCAAT; older notation c.1235_1241delCAGCAAT).
Protein change: p.Pro411_Ser412insTer.
Molecular consequence: nonsense. On other transcripts: non-coding transcript variant (2), intron variant (3).
Genome position (GRCh38, 1-based): chr2:214,780,633-214,780,639, ATTGCTG deleted on the plus strand (CAGCAAT on the coding strand, the reverse complement: BARD1 is on the minus strand); deleting any 7 consecutive bases within chr2:214,780,633-214,780,640 gives the same sequence; the c. name uses the placement nearest the transcript's 3' end. VCF-style (leftmost placement, unchanged base first): chr2-214780632-CATTGCTG-C. GRCh37 (hg19) VCF-style: chr2-215645356-CATTGCTG-C.
Other names: c.1178_1184del, p.Pro392_Ser393insTer (NM_001282543.2); c.159-28084_159-28078del (NM_001282548.2); c.215+16422_215+16428del (NM_001282545.2); c.364+11658_364+11664del (NM_001282549.2).
Identifiers: ClinVar variation 4812987 (VCV004812987.1).

ClinVar aggregate classification (germline): Pathogenic (1 of 4 stars; one submission).

Conditions:
Familial cancer of breast. Also called: Hereditary breast cancer; BREAST CANCER, FAMILIAL; hereditary breast carcinoma. Identifiers: Orphanet 227535, MedGen C0346153, MONDO:0016419, OMIM 114480. Disease mechanism: loss of function.

Submission:

Myriad Genetics, Inc.
Classification: Pathogenic for Familial cancer of breast. Last evaluated: 2025-11-12. Review status: criteria provided, single submitter. Criteria: Myriad Autosomal Dominant, Autosomal Recessive and X-Linked Classification Criteria (2023). Collection method: clinical testing. Allele origin: unknown.
Comment: This variant is considered pathogenic. This variant creates a termination codon and is predicted to result in premature protein truncation.